The following continues an entry in ClinVar:

NM_000051.4(ATM):c.381del (p.Thr127_Val128insTer)

Gene: ATM. ClinVar aggregate classification (germline): Pathogenic/Likely pathogenic. Pathogenic (19); Likely pathogenic (1).

Submissions 15 to 24 of 24:

Institute of Medical Genetics and Applied Genomics, University Hospital Tübingen
Classification: Pathogenic. Last evaluated: 2020-10-23. Review status: criteria provided, single submitter. Criteria: ACMG Guidelines, 2015. Collection method: clinical testing. Allele origin: germline. Inheritance: Autosomal unknown. Affected: yes.

Department of Pathology and Laboratory Medicine, Sinai Health System
Classification: Pathogenic for Familial cancer of breast. Last evaluated: 2020-01-07. Review status: criteria provided, single submitter. Criteria: ACMG Guidelines, 2015. Collection method: clinical testing. Allele origin: germline. Affected: yes.

Blueprint Genetics
Classification: Likely pathogenic for ATM-related disorders. Last evaluated: 2019-08-15. Review status: criteria provided, single submitter. Criteria: ACMG Guidelines, 2015. Collection method: clinical testing. Allele origin: germline. Affected: yes. Observed: 3 variant alleles.

Human Genome Sequencing Center Clinical Lab, Baylor College of Medicine
Classification: Pathogenic for Susceptibility to breast cancer; Ataxia-telangiectasia. Last evaluated: 2019-02-01. Review status: criteria provided, single submitter. Criteria: ACMG Guidelines, 2015. Collection method: clinical testing. Allele origin: germline.
Comment: The c.381delA (p.Val128*) variant in the ATM gene is predicted to introduce a premature translation termination codon, which is predicted to result in nonsense-mediated mRNA decay. This variant has an extremely low frequency in large databases of genetic variation in the general population. This variant has been reported in multiple patients with Ataxia-telangiectasia (PMID 10425038, 15843990, 16266405 and 25614872). Experimental studies in heterozygous cell lines suggested that this variant leads to reduced ATM protein expression following exposure to radiation (PMID 14970866). Bi-allelic variants in the ATM gene are associated with Ataxia-telangiectasia (MIM #208900). Therefore, the c.381delA (p.Val128*) variant in the ATM gene is classified as pathogenic.

Illumina Laboratory Services, Illumina
Classification: Pathogenic for Ataxia-telangiectasia syndrome. Last evaluated: 2018-08-14. Review status: criteria provided, single submitter. Criteria: ICSL Variant Classification Criteria 09 May 2019. Collection method: clinical testing. Allele origin: germline.
Comment: The ATM c.381delA (p.Val128Ter) variant is a stop-gained variant predicted to result in premature termination of the protein. Across a selection of the available literature, the p.Val128Ter variant has been found in at least six individuals with ataxia-telangiectasia, all in a compound heterozygous state (Babaei et al. 2005; Mitui et al. 2005; Quarantelli et al. 2013; Podralska et al. 2014). Control data are not available for this variant, which is reported at a frequency of 0.000009 in the European (non-Finnish) population of the Genome Aggregation Database. Based on the collective evidence and the potential impact of frameshift variants, the p.Val128Ter variant is classified as pathogenic for ataxia-telangiectasia. This variant was observed by ICSL as part of a predisposition screen in an ostensibly healthy population.

ARUP Laboratories, Molecular Genetics and Genomics, ARUP Laboratories
Classification: Pathogenic. Last evaluated: 2017-06-13. Review status: criteria provided, single submitter. Criteria: ARUP Molecular Germline Variant Investigation Process. Collection method: clinical testing. Allele origin: germline.
Comment: The c.381delA variant has been previously reported in association with ataxia telangiectasia in multiple unrelated families (Mitui 2005, and Babaei 2005). The c.381delA variant creates a frameshift in the ATM protein at codon 128 in exon 5 which results in a premature termination codon and is predicted to result in a truncated or absent protein product. It is absent from general population databases such as 1000 Genomes, NHLBI GO Exome Sequencing Project (ESP) , and the Exome Aggregation Consortium (ExAC) browser but has been reported to ClinVar (Variation ID: 141546). Based on these observations, the c.381delA variant has been classified as pathogenic.

KCCC/NGS Laboratory, Kuwait Cancer Control Center
Classification: Pathogenic for Familial cancer of breast. Last evaluated: 2023-05-09. Review status: no assertion criteria provided. Collection method: clinical testing. Allele origin: germline. Inheritance: Autosomal dominant inheritance. Affected: yes. Observed: 1 heterozygote. Not counted in ClinVar's aggregate classification.
Comment: A known pathogenic mutation was detected in the ATM gene(p.Val128Ter). This sequence change creates a premature translational stop signal (p.Val128*) in the ATM gene. It is expected to result in an absent or disrupted protein product. Loss-of-function variants in ATM are known to be pathogenic (PMID: 23807571, 25614872). This variant is present in population databases (rs587781831, gnomAD 0.0009%). This premature translational stop signal has been observed in individual(s) with ataxia-telangiectasia (PMID: 15843990, 16266405, 25502423, 25614872). This variant is also known as c.380delA and c.381_381delA. ClinVar contains an entry for this variant (Variation ID: 141546). For these reasons, this variant has been classified as Pathogenic. Pathogenic germline variants in the ATM gene are associated to increased breast cancer risk and further ATM-related malignancies. The cancer risk of individuals heterozygous for an ATM pathogenic variant is approximately four times that of the general population. Cancer risk probably depends on multiple factors including tumor type, age at cancer onset, and whether the type of variant (PMID: 20301790, OMIM® 114480). According to NCCN guidelines (version 3.2023), pathogenic or likely pathogenic variants in this gene are associated with 6% by age 50 years and 33% by age 80 years lifetime risk of breast cancer. The risk increases with increasing number of relatives affected with breast cancer. Hereditary predisposition to cancer due to pathogenic variants in the ATM gene has autosomal dominant inheritance. This means that an individual with a pathogenic variant has a 50% chance of passing the condition on to their offspring. In addition, ATM, ATM serine/threonine kinase, is a member of the serine-threonine kinase family and coordinates cellular responses to DNA damage through activation of distinct DNA repair and signaling pathways (PMID: 22079189). ATM germline mutations are associated also with ataxia telangiectasia, an autosomal recessive disorder (OMIM®: 208900, PMID: 27283171). Furthermore, Roberts et al., 2012 published a study indicating that ATM variants play an important role in familial pancreatic cancer predisposition (PMID: 22585167: PMID: 34529012).

Natera, Inc.
Classification: Pathogenic for Ataxia-telangiectasia. Last evaluated: 2020-09-16. Review status: no assertion criteria provided. Collection method: clinical testing. Allele origin: germline. Not counted in ClinVar's aggregate classification.

Biochemical Molecular Genetic Laboratory, King Abdulaziz Medical City
Classification: Pathogenic for Ataxia-telangiectasia syndrome. Last evaluated: 2019-09-26. Review status: no assertion criteria provided. Collection method: clinical testing. Allele origin: germline. Affected: yes. Not counted in ClinVar's aggregate classification.

Counsyl
Classification: Pathogenic for Ataxia-telangiectasia syndrome. Last evaluated: 2017-05-18. Review status: no assertion criteria provided. Collection method: clinical testing. Allele origin: unknown. Not counted in ClinVar's aggregate classification.

Literature cited by the submitters: PubMed 23807571 (cited by Labcorp Genetics (formerly Invitae), Labcorp); PubMed 25614872 (cited by 3 submitters); PubMed 15843990 (cited by 5 submitters); PubMed 16266405 (cited by 5 submitters); PubMed 25502423 (cited by Labcorp Genetics (formerly Invitae), Labcorp); PubMed 10330348 (cited by 3 submitters); PubMed 10425038 (cited by 3 submitters); PubMed 33050356 (cited by Ambry Genetics); PubMed 11839094 (cited by Color Diagnostics, LLC DBA Color Health); PubMed 20840352 (cited by Color Diagnostics, LLC DBA Color Health and Women's Health and Genetics/Laboratory Corporation of America, LabCorp); PubMed 14970866 (cited by Women's Health and Genetics/Laboratory Corporation of America, LabCorp); PubMed 21665257 (cited by Women's Health and Genetics/Laboratory Corporation of America, LabCorp and Counsyl); PubMed 26915675 (cited by Women's Health and Genetics/Laboratory Corporation of America, LabCorp); PubMed 22763152 (cited by Illumina Laboratory Services, Illumina); PubMed 26662178 (cited by Illumina Laboratory Services, Illumina); PubMed 28779002 (cited by Illumina Laboratory Services, Illumina); PubMed 20301790 (cited by KCCC/NGS Laboratory, Kuwait Cancer Control Center).